The following is an entry in ClinVar:

ClinVar aggregate classification (germline): Likely benign (1 of 4 stars; one submission).

gnomAD v4.1: 27 of 1,604,466 alleles (0.0017%); highest among the groups gnomAD compares: African/African-American, 0.0027%; no homozygotes.

Submission:

CeGaT Center for Human Genetics Tuebingen
Classification: Likely benign. Last evaluated: 2026-04-01. Review status: criteria provided, single submitter. Criteria: CeGaT Center For Human Genetics Tuebingen Variant Classification Criteria Version 2. Collection method: clinical testing. Allele origin: germline. Affected: yes. Observed: 1 variant allele.
Comment: DBNDD1: BP4, BP7

NM_001042610.3(DBNDD1):c.393C>T (p.His131=)

Gene: DBNDD1 (dysbindin domain containing 1; minus strand). Cytogenetic location: 16q24.3.
Variant type: single nucleotide variant.
Coding change: c.393C>T on transcript NM_001042610.3 (MANE Select); coding-DNA position 393, C replaced by T.
Protein change: p.His131=; no amino-acid change (histidine 131 retained).
Molecular consequence: synonymous variant.
Genome position (GRCh38, 1-based): chr16:90,006,419, G>A on the plus strand (C>T on the coding strand, the complement: DBNDD1 is on the minus strand). VCF-style: chr16-90006419-G-A. GRCh37 (hg19) VCF-style: chr16-90072827-G-A.
Other names: c.393C>T, p.His131= (NM_001288708.2); c.147C>T, p.His49= (NM_001288709.2, NM_001371581.1); c.453C>T, p.His151= (NM_024043.4).
Identifiers: ClinVar variation 4873885 (VCV004873885.2).